The following is an entry in ClinVar:

ClinVar aggregate classification (germline): Likely benign. Review status: criteria provided, multiple submitters, no conflicts (2 of 4 stars). 5 submissions from 5 submitters: Likely benign (5). Last evaluated 2026-09-01.

Conditions:
Inborn genetic diseases. Identifiers: MedGen C0950123, MeSH D030342.
Joubert syndrome 21 (JBTS21). Identifiers: MedGen C3810212, MONDO:0014288, OMIM 615636.

Allele frequency attached by ClinVar (database versions not stated): gnomAD exomes 0.00018 and 0.00048; 1000 Genomes Project 0.00120; 1000 Genomes Project 30x 0.00141; gnomAD 0.00203 and 0.00214; TOPMed 0.00217; ESP Exome Variant Server 0.00244.
gnomAD v4.1: 577 of 1,613,176 alleles (0.036%); highest among the groups gnomAD compares: African/African-American, 0.68%; 1 homozygote.

Submissions (5):

CeGaT Center for Human Genetics Tuebingen
Classification: Likely benign. Last evaluated: 2026-09-01. Review status: criteria provided, single submitter. Criteria: CeGaT Center For Human Genetics Tuebingen Variant Classification Criteria Version 2. Collection method: clinical testing. Allele origin: germline. Affected: yes. Observed: 1 variant allele.
Comment: CSPP1: BP4, BS1

Labcorp Genetics (formerly Invitae), Labcorp
Classification: Likely benign for Joubert syndrome 21. Last evaluated: 2026-01-20. Review status: criteria provided, single submitter. Criteria: Invitae Variant Classification Sherloc (09022015). Collection method: clinical testing. Allele origin: germline.

Ambry Genetics
Classification: Likely benign for Inborn genetic diseases. Last evaluated: 2024-05-14. Review status: criteria provided, single submitter. Criteria: Ambry Variant Classification Scheme 2023. Collection method: clinical testing. Allele origin: germline.

Blueprint Genetics
Classification: Likely benign. Last evaluated: 2023-10-21. Review status: criteria provided, single submitter. Criteria: ACMG Guidelines, 2015. Collection method: clinical testing. Allele origin: germline.

Genetic Services Laboratory, University of Chicago
Classification: Likely benign. Last evaluated: 2021-06-28. Review status: criteria provided, single submitter. Criteria: ACMG Guidelines, 2015. Collection method: clinical testing. Allele origin: germline. Affected: no.

NM_001382391.1(CSPP1):c.815G>A (p.Arg272Gln)

Gene: CSPP1 (centrosome and spindle pole associated protein 1; plus strand). Cytogenetic location: 8q13.1.
Variant type: single nucleotide variant.
Coding change: c.815G>A on transcript NM_001382391.1 (MANE Select); coding-DNA position 815, G replaced by A.
Protein change: p.Arg272Gln; replaces arginine 272 with glutamine.
Molecular consequence: missense variant. On other transcripts: 5 prime UTR variant (1).
Genome position (GRCh38, 1-based): chr8:67,095,624, G>A. VCF-style: chr8-67095624-G-A. GRCh37 (hg19) VCF-style: chr8-68007859-G-A.
Other names: c.-41G>A (NM_001291339.2); c.734G>A, p.Arg245Gln (NM_001363131.2, NM_001363133.2); c.815G>A, p.Arg272Gln (NM_001363132.2); c.923G>A, p.Arg308Gln (NM_001364869.1); c.842G>A, p.Arg281Gln (NM_001364870.1, NM_024790.7); short protein forms R308Q, R245Q, R272Q, R281Q.
Identifiers: ClinVar variation 707126 (VCV000707126.16), dbSNP rs201609022, ClinGen allele CA4770365.
Genomic context (GRCh38, chr8:67,095,624, plus strand): 5'-AGGCTGGCATTCCAGATAGAAGATTTCACAGATTTAATGAGGATCGTGTTTTTGATAGAC[G>A]GTATCATAGACCAGACCAAGATCCTGAAGTAAGTGAAGAAATGGATGAGAGGTTTAGATA-3'
Protein context (NP_001369320.1, residues 262-282): RFNEDRVFDR[Arg272Gln]YHRPDQDPEV